The following is an entry in ClinVar:

NM_001110556.2(FLNA):c.6766C>T (p.Pro2256Ser)

Gene: FLNA (filamin A; minus strand). Cytogenetic location: Xq28.
Variant type: single nucleotide variant.
Coding change: c.6766C>T on transcript NM_001110556.2 (MANE Select); coding-DNA position 6766, C replaced by T.
Protein change: p.Pro2256Ser; replaces proline 2256 with serine.
Molecular consequence: missense variant.
Genome position (GRCh38, 1-based): chrX:154,352,184, G>A on the plus strand (C>T on the coding strand, the complement: FLNA is on the minus strand). VCF-style: chrX-154352184-G-A. GRCh37 (hg19) VCF-style: chrX-153580552-G-A.
Other names: c.6742C>T, p.Pro2248Ser (NM_001456.4); short protein forms P2248S, P2256S.
Identifiers: ClinVar variation 1018271 (VCV001018271.9), dbSNP rs1603359077, ClinGen allele CA415189326.

ClinVar aggregate classification (germline): Uncertain significance (1 of 4 stars; one submission).

Conditions:
Frontometaphyseal dysplasia (FMD1). Identifiers: Orphanet 1826, MedGen C0265293, MONDO:0015942.
Melnick-Needles syndrome (MNS). Also called: MELNICK-NEEDLES OSTEODYSPLASTY; OSTEODYSPLASTY OF MELNICK AND NEEDLES; Melnick-Needles Syndrome (FLNA-MNS). Identifiers: Orphanet 2484, MedGen C0025237, MONDO:0010650, OMIM 309350.
Oto-palato-digital syndrome, type II (OPD2). Also called: FACIOPALATOOSSEOUS SYNDROME; Otopalatodigital Syndrome, Type II; OPD II SYNDROME; Otopalatodigital Syndrome Type 2 (FLNA-OPD2). Identifiers: Orphanet 669, Orphanet 90652, MedGen C1844696, MONDO:0010571, OMIM 304120.
Heterotopia, periventricular, X-linked dominant (PVNH1). Also called: PERIVENTRICULAR NODULAR HETEROTOPIA 1; X-linked periventricular heterotopia; PERIVENTRICULAR NODULAR HETEROTOPIA 4; HETEROTOPIA, PERIVENTRICULAR, 1. Identifiers: Orphanet 2149, Orphanet 82004, MedGen C1848213, MONDO:0010233, OMIM 300049.

Allele frequency attached by ClinVar (database versions not stated): gnomAD exomes below 0.00001.
gnomAD v4.1: 1 of 1,210,364 alleles (0.000083%); highest among the groups gnomAD compares: Admixed American, 0.0022%; no homozygotes.

Submission:

Labcorp Genetics (formerly Invitae), Labcorp
Classification: Uncertain significance for Oto-palato-digital syndrome, type II; Heterotopia, periventricular, X-linked dominant; Frontometaphyseal dysplasia; Melnick-Needles syndrome. Last evaluated: 2022-07-11. Review status: criteria provided, single submitter. Criteria: Invitae Variant Classification Sherloc (09022015). Collection method: clinical testing. Allele origin: germline.
Comment: In summary, the available evidence is currently insufficient to determine the role of this variant in disease. Therefore, it has been classified as a Variant of Uncertain Significance. Advanced modeling of protein sequence and biophysical properties (such as structural, functional, and spatial information, amino acid conservation, physicochemical variation, residue mobility, and thermodynamic stability) performed at Invitae indicates that this missense variant is not expected to disrupt FLNA protein function. This sequence change replaces proline, which is neutral and non-polar, with serine, which is neutral and polar, at codon 2248 of the FLNA protein (p.Pro2248Ser). This variant is not present in population databases (gnomAD no frequency). This variant has not been reported in the literature in individuals affected with FLNA-related conditions. ClinVar contains an entry for this variant (Variation ID: 1018271).